The following is an entry in ClinVar:

ClinVar aggregate classification (germline): Benign/Likely benign. Review status: criteria provided, multiple submitters, no conflicts (2 of 4 stars). 3 submissions from 3 submitters: Benign (1); Likely benign (1). 1 of the submissions does not count toward it. Last evaluated 2025-12-16.

Conditions:
Early-infantile DEE. Also called: Early infantile epileptic encephalopathy; Ohtahara syndrome; Early infantile epileptic encephalopathy with suppression bursts. Identifiers: Orphanet 1934, MedGen C0393706, MONDO:0800491.
HCN1-related disorder. Also called: HCN1-related condition; HCN1-related disorders.
Inborn genetic diseases. Identifiers: MedGen C0950123, MeSH D030342.

Allele frequency attached by ClinVar (database versions not stated): gnomAD exomes 0.00004; ExAC 0.00006; ESP Exome Variant Server 0.00008; gnomAD 0.00021; TOPMed 0.00022; 1000 Genomes Project 30x 0.00031.

Submissions (3):

Labcorp Genetics (formerly Invitae), Labcorp
Classification: Benign for Early-infantile DEE. Last evaluated: 2025-12-16. Review status: criteria provided, single submitter. Criteria: Invitae Variant Classification Sherloc (09022015). Collection method: clinical testing. Allele origin: germline.

Ambry Genetics
Classification: Likely benign for Inborn genetic diseases. Last evaluated: 2016-12-13. Review status: criteria provided, single submitter. Criteria: Ambry Variant Classification Scheme 2023. Collection method: clinical testing. Allele origin: germline.

PreventionGenetics, part of Exact Sciences
Classification: Likely benign for HCN1-related condition. Last evaluated: 2023-05-21. Review status: no assertion criteria provided. Collection method: clinical testing. Allele origin: germline. Not counted in ClinVar's aggregate classification.
Comment: This variant is classified as likely benign based on ACMG/AMP sequence variant interpretation guidelines (Richards et al. 2015 PMID: 25741868, with internal and published modifications).

NM_021072.4(HCN1):c.259C>T (p.Pro87Ser)

Gene: HCN1 (hyperpolarization activated cyclic nucleotide gated potassium channel 1; minus strand). Cytogenetic location: 5p12.
Variant type: single nucleotide variant.
Coding change: c.259C>T on transcript NM_021072.4 (MANE Select); coding-DNA position 259, C replaced by T.
Protein change: p.Pro87Ser; replaces proline 87 with serine.
Molecular consequence: missense variant.
Genome position (GRCh38, 1-based): chr5:45,695,835, G>A on the plus strand (C>T on the coding strand, the complement: HCN1 is on the minus strand). VCF-style: chr5-45695835-G-A. GRCh37 (hg19) VCF-style: chr5-45695937-G-A.
Other names: short protein forms P87S.
Identifiers: ClinVar variation 461373 (VCV000461373.19), dbSNP rs370113959, ClinGen allele CA3259486.